The following is an entry in ClinVar:

ClinVar aggregate classification (germline): Uncertain significance. Review status: criteria provided, single submitter (1 of 4 stars). 2 submissions from 2 submitters: Uncertain significance (1). 1 of the submissions does not count toward it. Last evaluated 2026-03-02.

Conditions:
SLC26A2-related skeletal dysplasia. Identifiers: MedGen CN379209, MONDO:0100592.
Atelosteogenesis type II (AO2). Also called: NEONATAL OSSEOUS DYSPLASIA I; Neonatal osseous dysplasia 1; SLC26A2-Related Atelosteogenesis. Identifiers: Orphanet 56304, MedGen C1850554, MONDO:0009727, OMIM 256050.

Allele frequency attached by ClinVar (database versions not stated): gnomAD exomes below 0.00001.
gnomAD v4.1: 4 of 1,614,094 alleles (0.00025%); highest among the groups gnomAD compares: South Asian, 0.0033%; no homozygotes.

Submissions (2):

Myriad Genetics, Inc.
Classification: Uncertain significance for SLC26A2-related skeletal dysplasia. Last evaluated: 2026-03-02. Review status: criteria provided, single submitter. Criteria: Myriad Autosomal Dominant, Autosomal Recessive and X-Linked Classification Criteria (2023). Collection method: clinical testing. Allele origin: unknown.
Comment: NM_000112.3(SLC26A2):c.1382C>T(A461V) is a missense variant classified as a variant of uncertain significance in the context of SLC26A2-related disorders. A461V has been observed in a case with relevant disease (PMID: 36007841). Relevant functional assessments of this variant are not available in the literature. A461V has not been observed in referenced population frequency databases. In summary, there is insufficient evidence to classify NM_000112.3(SLC26A2):c.1382C>T(A461V) as pathogenic or benign. Please note: this variant was assessed in the context of healthy population screening.

Institute of Medical Genetics and Genomics, Sir Ganga Ram Hospital
Classification: Likely pathogenic for Atelosteogenesis type II. Last evaluated: 2021-11-17. Review status: no assertion criteria provided. Collection method: clinical testing. Allele origin: germline. Inheritance: Autosomal recessive inheritance. Affected: yes. Observed: 1 compound heterozygote. Not counted in ClinVar's aggregate classification.
Comment: This variant has not been identified in gnomAD and 1000g databases. This mis-sense variant is present in compound heterozygous state with another stop gain variant c.532C>T (p.R178X) in SLC26A2 gene. Atelosteogenesis II is an autosomal recessive disorder and can be caused by Homozygous or Compound heterozygous mutations. Based on phenotypic overall and identified variant we classify this as likely pathogenic variant.

Literature cited by the submitters: PubMed 36007841 (cited by Myriad Genetics, Inc.).

NM_000112.4(SLC26A2):c.1382C>T (p.Ala461Val)

Gene: SLC26A2 (solute carrier family 26 member 2; plus strand). Cytogenetic location: 5q32.
Variant type: single nucleotide variant.
Coding change: c.1382C>T on transcript NM_000112.4 (MANE Select); coding-DNA position 1382, C replaced by T.
Protein change: p.Ala461Val; replaces alanine 461 with valine.
Molecular consequence: missense variant.
Genome position (GRCh38, 1-based): chr5:149,980,975, C>T. VCF-style: chr5-149980975-C-T. GRCh37 (hg19) VCF-style: chr5-149360538-C-T.
Other names: short protein forms A461V.
Identifiers: ClinVar variation 1321872 (VCV001321872.3), dbSNP rs2113698650, ClinGen allele CA361707757.